The following is an entry in ClinVar:

NM_000558.5(HBA1):c.95+1G>C

Genes: HBA1 (hemoglobin subunit alpha 1; plus strand), LOC106804613 (hemoglobin subunit alpha 1 recombination region; plus strand). Cytogenetic location: 16p13.3.
Variant type: single nucleotide variant.
Coding change: c.95+1G>C on transcript NM_000558.5 (MANE Select); the canonical splice donor site of the intron after coding-DNA position 95, G replaced by C.
Molecular consequence: splice donor variant.
Genome position (GRCh38, 1-based): chr16:176,812, G>C. VCF-style: chr16-176812-G-C. GRCh37 (hg19) VCF-style: chr16-226811-G-C.
Identifiers: ClinVar variation 4814422 (VCV004814422.1).
Genomic context (GRCh38, chr16:176,812, plus strand): 5'-GGCCGCCTGGGGTAAGGTCGGCGCGCACGCTGGCGAGTATGGTGCGGAGGCCCTGGAGAG[G>C]TGAGGCTCCCTCCCCTGCTCCGACCCGGGCTCCTCGCCCGCCCGGACCCACAGGCCACCC-3'

ClinVar aggregate classification (germline): Pathogenic (1 of 4 stars; one submission).

Conditions:
alpha Thalassemia. Also called: Alpha thalassemia spectrum. Identifiers: Orphanet 846, MedGen C0002312, MONDO:0011399, OMIM 604131.

Submission:

Natera, Inc.
Classification: Pathogenic for Alpha thalassemia. Last evaluated: 2025-04-22. Review status: criteria provided, single submitter. Criteria: Natera Variant Classification Schema (03/2026). Collection method: clinical testing. Allele origin: germline.
Comment: The c.95+1G>C variant in HBA1 is a canonical splice donor site variant predicted to affect pre-mRNA splicing, which may result in an abnormal transcript and altered protein product. This variant is expected to result in nonsense mediated decay, truncation, or a dysfunctional protein product. This variant is rare in the general population with a frequency below the threshold expected for the associated phenotype(s). Another variant at this same site results in an alteration predicted to cause a similar molecular effect has been observed in individual(s) with the associated phenotype. Given the available evidence, this variant is classified as Pathogenic.